The following is an entry in ClinVar:

ClinVar aggregate classification (germline): Uncertain significance (1 of 4 stars; one submission).

Conditions:
PKD1L1-related disorder. Also called: PKD1L1-related condition.

gnomAD v4.1: 11 of 1,612,952 alleles (0.00068%); highest among the groups gnomAD compares: African/African-American, 0.013%; no homozygotes.

Submission:

PreventionGenetics, part of Exact Sciences
Classification: Uncertain significance for PKD1L1-related condition. Last evaluated: 2026-01-27. Review status: criteria provided, single submitter. Criteria: ACMG Guidelines, 2015. Collection method: clinical testing. Allele origin: germline.
Comment: The PKD1L1 c.6200G>A variant is predicted to result in the amino acid substitution p.Gly2067Glu. To our knowledge, this variant has not been reported in the literature. This variant is reported in 0.011% of alleles in individuals of African descent in gnomAD. At this time, the clinical significance of this variant is uncertain due to the absence of conclusive functional and genetic evidence.

NM_138295.5(PKD1L1):c.6200G>A (p.Gly2067Glu)

Gene: PKD1L1 (polycystin 1 like 1, transient receptor potential channel interacting; minus strand). Cytogenetic location: 7p12.3.
Variant type: single nucleotide variant.
Coding change: c.6200G>A on transcript NM_138295.5 (MANE Select); coding-DNA position 6200, G replaced by A.
Protein change: p.Gly2067Glu; replaces glycine 2067 with glutamic acid.
Molecular consequence: missense variant.
Genome position (GRCh38, 1-based): chr7:47,833,227, C>T on the plus strand (G>A on the coding strand, the complement: PKD1L1 is on the minus strand). VCF-style: chr7-47833227-C-T. GRCh37 (hg19) VCF-style: chr7-47872825-C-T.
Other names: short protein forms G2067E.
Identifiers: ClinVar variation 4980183 (VCV004980183.1).